The following is an entry in ClinVar:

ClinVar aggregate classification (germline): Uncertain significance (1 of 4 stars; one submission).

Submission:

Ambry Genetics
Classification: Uncertain significance. Last evaluated: 2021-11-07. Review status: criteria provided, single submitter. Criteria: Ambry Variant Classification Scheme 2023. Collection method: clinical testing. Allele origin: germline.
Comment: The p.V787F variant (also known as c.2359G>T), located in coding exon 20 of the BUB1 gene, results from a G to T substitution at nucleotide position 2359. The valine at codon 787 is replaced by phenylalanine, an amino acid with highly similar properties. This amino acid position is conserved. In addition, this alteration is predicted to be tolerated by in silico analysis. Since supporting evidence is limited at this time, the clinical significance of this alteration remains unclear.

NM_004336.5(BUB1):c.2359G>T (p.Val787Phe)

Gene: BUB1 (BUB1 mitotic checkpoint serine/threonine kinase; minus strand). Cytogenetic location: 2q13.
Variant type: single nucleotide variant.
Coding change: c.2359G>T on transcript NM_004336.5 (MANE Select); coding-DNA position 2359, G replaced by T.
Protein change: p.Val787Phe; replaces valine 787 with phenylalanine.
Molecular consequence: missense variant.
Genome position (GRCh38, 1-based): chr2:110,642,223, C>A on the plus strand (G>T on the coding strand, the complement: BUB1 is on the minus strand). VCF-style: chr2-110642223-C-A. GRCh37 (hg19) VCF-style: chr2-111399800-C-A.
Other names: c.2299G>T, p.Val767Phe (NM_001278616.2); c.2359G>T, p.Val787Phe (NM_001278617.2); short protein forms V767F, V787F.
Identifiers: ClinVar variation 1790117 (VCV001790117.2), dbSNP rs2467973609, ClinGen allele CA348209309.